The following is an entry in ClinVar:

ClinVar aggregate classification (germline): Uncertain significance. Review status: criteria provided, single submitter (1 of 4 stars). 2 submissions from 2 submitters: Uncertain significance (1). 1 of the submissions does not count toward it. Last evaluated 2025-07-30.

Conditions:
GNAS-related disorder. Identifiers: MedGen CN380105.
Pseudohypoparathyroidism type I A (PHP1A). Also called: Pseudohypoparathyroidism Ia (PHP-Ia); Pseudohypoparathyroidism Type IA; ALBRIGHT HEREDITARY OSTEODYSTROPHY WITH MULTIPLE HORMONE RESISTANCE; PHP IA; Pseudohypoparathyroidism type 1A. Identifiers: Orphanet 79443, MedGen C3494506, MONDO:0007078, OMIM 103580.

gnomAD v4.1: 4 of 1,613,214 alleles (0.00025%); highest among the groups gnomAD compares: East Asian, 0.0089%; no homozygotes.

Submissions (2):

3billion
Classification: Uncertain significance for GNAS-related disorder. Last evaluated: 2025-07-30. Review status: criteria provided, single submitter. Criteria: ACMG Guidelines, 2015. Collection method: clinical testing. Allele origin: germline. Affected: yes.
Comment: The variant is observed at an extremely low frequency in the gnomAD v4.1.0 dataset (total allele frequency: <0.001%). Predicted Consequence/Location: Stop-gained (nonsense): predicted to result in a loss or disruption of normal protein function through nonsense-mediated decay (NMD) or protein truncation. Multiple pathogenic variants are reported downstream of the variant. The variant has been reported to be associated with GNAS-related disorder (ClinVar ID: VCV003068317). However, the evidence of pathogenicity is insufficient at this time. Therefore, this variant is classified as VUS according to the recommendation of ACMG/AMP guideline.

Pediatric Department, Beijing Jishuitan Hospital, Capital Medical University
Classification: Likely pathogenic for Pseudohypoparathyroidism type I A. Review status: no assertion criteria provided. Collection method: research. Allele origin: maternal. Inheritance: Autosomal dominant inheritance. Affected: yes. Not counted in ClinVar's aggregate classification.

NM_080425.4(GNAS):c.344G>A (p.Trp115Ter)

Gene: GNAS (GNAS complex locus; plus strand). Cytogenetic location: 20q13.32.
Variant type: single nucleotide variant.
Coding change: c.344G>A on transcript NM_080425.4 (MANE Plus Clinical); coding-DNA position 344, G replaced by A.
Protein change: p.Trp115Ter; replaces tryptophan 115 with a stop codon.
Molecular consequence: nonsense. On other transcripts: missense variant (2), intron variant (3).
Genome position (GRCh38, 1-based): chr20:58,853,609, G>A. VCF-style: chr20-58853609-G-A. GRCh37 (hg19) VCF-style: chr20-57428664-G-A.
Other names: c.157G>A, p.Gly53Ser (NM_001077490.3, NM_001309883.1); c.344G>A, p.Trp115Ter (NM_001410913.1); c.*42+12723G>A (NM_016592.5); c.43+12723G>A (NM_001410912.1); c.-39+11734G>A (NM_001309861.2); short protein forms G53S, W115*.
Identifiers: ClinVar variation 3068317 (VCV003068317.2).